The following is an entry in ClinVar:

NM_001040142.2(SCN2A):c.3062T>G (p.Ile1021Arg)

Gene: SCN2A (sodium voltage-gated channel alpha subunit 2; plus strand). Cytogenetic location: 2q24.3.
Variant type: single nucleotide variant.
Coding change: c.3062T>G on transcript NM_001040142.2 (MANE Select); coding-DNA position 3062, T replaced by G.
Protein change: p.Ile1021Arg; replaces isoleucine 1021 with arginine.
Molecular consequence: missense variant.
Genome position (GRCh38, 1-based): chr2:165,354,334, T>G. VCF-style: chr2-165354334-T-G. GRCh37 (hg19) VCF-style: chr2-166210844-T-G.
Other names: c.3062T>G, p.Ile1021Arg (NM_001040143.2, NM_001371246.1, NM_001371247.1 and 1 more transcripts); short protein forms I1021R.
Identifiers: ClinVar variation 4789344 (VCV004789344.1).

ClinVar aggregate classification (germline): Uncertain significance (1 of 4 stars; one submission).

Conditions:
Developmental and epileptic encephalopathy, 11 (DEE11). Also called: Early infantile epileptic encephalopathy 11. Identifiers: Orphanet 1934, MedGen C3150987, MONDO:0013388, OMIM 613721.
Seizures, benign familial infantile, 3 (BFIS3). Also called: CONVULSIONS, BENIGN FAMILIAL INFANTILE, 3; Familial neonatal seizures. Identifiers: Orphanet 140927, Orphanet 306, MedGen C1843140, MONDO:0011904, OMIM 607745.

Submission:

Labcorp Genetics (formerly Invitae), Labcorp
Classification: Uncertain significance for Seizures, benign familial infantile, 3; Developmental and epileptic encephalopathy, 11. Last evaluated: 2025-09-22. Review status: criteria provided, single submitter. Criteria: Invitae Variant Classification Sherloc (09022015). Collection method: clinical testing. Allele origin: germline.
Comment: This sequence change replaces isoleucine, which is neutral and non-polar, with arginine, which is basic and polar, at codon 1021 of the SCN2A protein (p.Ile1021Arg). This variant is not present in population databases (gnomAD no frequency). This variant has not been reported in the literature in individuals affected with SCN2A-related conditions. Invitae Evidence Modeling of protein sequence and biophysical properties (such as structural, functional, and spatial information, amino acid conservation, physicochemical variation, residue mobility, and thermodynamic stability) has been performed for this missense variant. However, the output from this modeling did not meet the statistical confidence thresholds required to predict the impact of this variant on SCN2A protein function. In summary, the available evidence is currently insufficient to determine the role of this variant in disease. Therefore, it has been classified as a Variant of Uncertain Significance.